The following is an entry in ClinVar:

ClinVar aggregate classification (germline): Likely benign. Review status: criteria provided, multiple submitters, no conflicts (2 of 4 stars). 3 submissions from 3 submitters: Likely benign (2). 1 of the submissions does not count toward it. Last evaluated 2026-01-28.

Conditions:
TYR-related disorder. Also called: TYR-related condition.

Allele frequency attached by ClinVar (database versions not stated): ESP Exome Variant Server 0.00008; gnomAD 0.00009; ExAC 0.00012; gnomAD exomes 0.00015; 1000 Genomes Project 30x 0.00031; 1000 Genomes Project 0.00040.
gnomAD v4.1: 227 of 1,614,178 alleles (0.014%); highest among the groups gnomAD compares: Non-Finnish European, 0.019%; no homozygotes.

Submissions (3):

Labcorp Genetics (formerly Invitae), Labcorp
Classification: Likely benign. Last evaluated: 2026-01-28. Review status: criteria provided, single submitter. Criteria: Invitae Variant Classification Sherloc (09022015). Collection method: clinical testing. Allele origin: germline.

Blueprint Genetics
Classification: Likely benign. Last evaluated: 2024-04-09. Review status: criteria provided, single submitter. Criteria: ACMG Guidelines, 2015. Collection method: clinical testing. Allele origin: germline.

PreventionGenetics, part of Exact Sciences
Classification: Likely benign for TYR-related condition. Last evaluated: 2023-03-21. Review status: no assertion criteria provided. Collection method: clinical testing. Allele origin: germline. Not counted in ClinVar's aggregate classification.
Comment: This variant is classified as likely benign based on ACMG/AMP sequence variant interpretation guidelines (Richards et al. 2015 PMID: 25741868, with internal and published modifications).

NM_000372.5(TYR):c.129G>A (p.Arg43=)

Gene: TYR (tyrosinase; plus strand). Cytogenetic location: 11q14.3.
Variant type: single nucleotide variant.
Coding change: c.129G>A on transcript NM_000372.5 (MANE Select); coding-DNA position 129, G replaced by A.
Protein change: p.Arg43=; no amino-acid change (arginine 43 retained).
Molecular consequence: synonymous variant.
Genome position (GRCh38, 1-based): chr11:89,178,082, G>A. VCF-style: chr11-89178082-G-A. GRCh37 (hg19) VCF-style: chr11-88911250-G-A.
Other names: c.129G>A (NM_000372.4).
Identifiers: ClinVar variation 2081660 (VCV002081660.7), dbSNP rs377546778, ClinGen allele CA6221049.